The following is an entry in ClinVar:

NM_178548.4(TFAP2E):c.692C>T (p.Thr231Met)

Gene: TFAP2E (transcription factor AP-2 epsilon; plus strand). Cytogenetic location: 1p34.3.
Variant type: single nucleotide variant.
Coding change: c.692C>T on transcript NM_178548.4 (MANE Select); coding-DNA position 692, C replaced by T.
Protein change: p.Thr231Met; replaces threonine 231 with methionine.
Molecular consequence: missense variant.
Genome position (GRCh38, 1-based): chr1:35,588,459, C>T. VCF-style: chr1-35588459-C-T. GRCh37 (hg19) VCF-style: chr1-36054060-C-T.
Other names: short protein forms T231M.
Identifiers: ClinVar variation 3806268 (VCV003806268.1).

ClinVar aggregate classification (germline): Conflicting classifications of pathogenicity. Review status: criteria provided, conflicting classifications (1 of 4 stars). 2 submissions from 2 submitters: Uncertain significance (1); Likely benign (1). Last evaluated 2026-02-05.

Conditions:
Multiple congenital anomalies/dysmorphic syndrome. Identifiers: Orphanet 68341, MedGen C5681310, MONDO:0019042.

gnomAD v4.1: 24 of 1,610,542 alleles (0.0015%); highest among the groups gnomAD compares: African/African-American, 0.008%; no homozygotes.

Submissions (2):

Centre for Medical Genetics,  Mumbai
Classification: Likely benign for Multiple Congenital Anomalies/dysmorphic Syndrome. Last evaluated: 2026-02-05. Review status: criteria provided, single submitter. Criteria: ACMG Guidelines, 2015. Collection method: provider interpretation. Allele origin: germline. Inheritance: Sporadic. Affected: no. Observed: 1 heterozygote.
Comment: The variant satisfies PM2 criteria; Extremely low frequency in gnomAD population databases. The variant satisfies PP3 criteria; For a missense or a splicing region variant, computational prediction tools unanimously support a deleterious effect on the gene. However, the variant satisfies BS2 criteria.

Ambry Genetics
Classification: Uncertain significance. Last evaluated: 2024-12-25. Review status: criteria provided, single submitter. Criteria: Ambry Variant Classification Scheme 2023. Collection method: clinical testing. Allele origin: germline.

Literature cited by the submitters: PubMed 37291585 (cited by Centre for Medical Genetics,  Mumbai).